The following is an entry in ClinVar:

NM_152416.4(NDUFAF6):c.620T>C (p.Ile207Thr)

Gene: NDUFAF6 (NADH:ubiquinone oxidoreductase complex assembly factor 6; plus strand). Cytogenetic location: 8q22.1.
Variant type: single nucleotide variant.
Coding change: c.620T>C on transcript NM_152416.4 (MANE Select); coding-DNA position 620, T replaced by C.
Protein change: p.Ile207Thr; replaces isoleucine 207 with threonine.
Molecular consequence: missense variant. On other transcripts: non-coding transcript variant (5).
Genome position (GRCh38, 1-based): chr8:95,047,033, T>C. VCF-style: chr8-95047033-T-C. GRCh37 (hg19) VCF-style: chr8-96059261-T-C.
Other names: c.164T>C, p.Ile55Thr (NM_001354525.2, NM_001354527.2, NM_001354528.2 and 7 more transcripts); c.287T>C, p.Ile96Thr (NM_001354534.2, NM_001354517.2, NM_001354518.2 and 1 more transcripts); c.344T>C, p.Ile115Thr (NM_001330582.2, NM_001354514.2, NM_001354515.2 and 1 more transcripts); c.464T>C, p.Ile155Thr (NM_001354516.2); short protein forms I115T, I155T, I207T, I55T, I96T.
Identifiers: ClinVar variation 3775908 (VCV003775908.1).
Genomic context (GRCh38, chr8:95,047,033, plus strand): 5'-GTGTAATTTCTGAAATCATAGGTATAAAGGATCTTCATGCAGATCATGCTGCAAGTCATA[T>C]TGGAAAAGCACAAGGCATTGTCACTTGCTTGAGAGCAACACCATATCATGGGAGCAGAAG-3'
Protein context (NP_689629.2, residues 197-217): DLHADHAASH[Ile207Thr]GKAQGIVTCL

ClinVar aggregate classification (germline): Uncertain significance (1 of 4 stars; one submission).

Conditions:
Mitochondrial complex I deficiency, nuclear type 17. Also called: Mitochondrial complex 1 deficiency, nuclear type 17. Identifiers: MedGen C4748786, MONDO:0032622, OMIM 618239.

gnomAD v4.1: 3 of 1,614,190 alleles (0.00019%); highest among the groups gnomAD compares: South Asian, 0.0011%; no homozygotes.

Submission:

3billion
Classification: Uncertain significance for Mitochondrial complex I deficiency, nuclear type 17. Last evaluated: 2023-10-12. Review status: criteria provided, single submitter. Criteria: ACMG Guidelines, 2015. Collection method: clinical testing. Allele origin: germline. Affected: yes.
Comment: The variant is observed at an extremely low frequency in the gnomAD v2.1.1 dataset (total allele frequency: 0.000%). Predicted Consequence/Location: Missense variant In silico tool predictions suggest damaging effect of the variant on gene or gene product [REVEL: 0.93 (>=0.6, sensitivity 0.68 and specificity 0.92); 3Cnet: 0.76 (>=0.6, sensitivity 0.72 and precision 0.9)]. The variant has been reported to be in trans with a pathogenic variant as either compound heterozygous or homozygous in at least one similarly affected unrelated individual (PMID: 34276053). Therefore, this variant is classified as VUS according to the recommendation of ACMG/AMP guideline.

Literature cited by the submitters: PubMed 34276053.